The following is an entry in ClinVar:

ClinVar aggregate classification (germline): Likely pathogenic. Review status: criteria provided, multiple submitters, no conflicts (2 of 4 stars). 2 submissions from 2 submitters: Likely pathogenic (2). Last evaluated 2024-11-18.

Conditions:
Dilated cardiomyopathy 1G (CMD1G). Identifiers: Orphanet 154, MedGen C1858763, MONDO:0011400, OMIM 604145.
Autosomal recessive limb-girdle muscular dystrophy type 2J (LGMDR10). Also called: Limb-girdle muscular dystrophy, type 2J; MUSCULAR DYSTROPHY, LIMB-GIRDLE, AUTOSOMAL RECESSIVE 10. Identifiers: Orphanet 140922, MedGen C1837342, MONDO:0012127, OMIM 608807.
Cardiovascular phenotype. Identifiers: MedGen CN230736.

Submissions (2):

Ambry Genetics
Classification: Likely pathogenic for Cardiovascular phenotype. Last evaluated: 2024-11-18. Review status: criteria provided, single submitter. Criteria: Ambry Variant Classification Scheme 2023. Collection method: clinical testing. Allele origin: germline.
Comment: The p.R22220* variant (also known as c.66658A>T), located in coding exon 166 of the TTN gene, results from an A to T substitution at nucleotide position 66658. This changes the amino acid from an arginine to a stop codon within coding exon 166. This exon is located in the A-band region of the N2-B isoform of the titin protein and is constitutively expressed in TTN transcripts (percent spliced in or PSI 100%). This variant is considered to be rare based on population cohorts in the Genome Aggregation Database (gnomAD). This alteration is expected to result in loss of function by premature protein truncation or nonsense-mediated mRNA decay. While truncating variants in TTN are present in 1-3% of the general population, truncating variants in the A-band are the most common cause of dilated cardiomyopathy (DCM) (Herman DS et al. N. Engl. J. Med., 2012 Feb;366:619-28; Roberts AM et al. Sci Transl Med, 2015 Jan;7:270ra6). TTN truncating variants encoded in constitutive exons (PSI >90%) have been found to be significantly associated with DCM regardless of their position in titin (Schafer S et al. Nat. Genet., 2017 01;49:46-53). Based on the majority of available evidence to date, this variant is likely to be pathogenic.

Labcorp Genetics (formerly Invitae), Labcorp
Classification: Likely pathogenic for Dilated cardiomyopathy 1G; Autosomal recessive limb-girdle muscular dystrophy type 2J. Last evaluated: 2023-09-17. Review status: criteria provided, single submitter. Criteria: Invitae Variant Classification Sherloc (09022015). Collection method: clinical testing. Allele origin: germline.
Comment: In summary, the currently available evidence indicates that the variant is pathogenic, but additional data are needed to prove that conclusively. Therefore, this variant has been classified as Likely Pathogenic. This variant is located in the A band of TTN (PMID: 25589632). Truncating variants in this region are significantly overrepresented in patients affected with dilated cardiomyopathy (PMID: 25589632). Truncating variants in this region have also been reported in individuals affected with autosomal recessive centronuclear myopathy (PMID: 23975875). This variant has not been reported in the literature in individuals affected with TTN-related conditions. This sequence change creates a premature translational stop signal (p.Arg31285*) in the TTN gene. While this is not anticipated to result in nonsense mediated decay, it is expected to create a truncated TTN protein. This variant is not present in population databases (gnomAD no frequency).

Literature cited by the submitters: PubMed 25589632 (cited by Labcorp Genetics (formerly Invitae), Labcorp); PubMed 23975875 (cited by Labcorp Genetics (formerly Invitae), Labcorp).

NM_001267550.2(TTN):c.93853A>T (p.Arg31285Ter)

Genes: TTN (titin; minus strand), TTN-AS1 (TTN antisense RNA 1; plus strand). Cytogenetic location: 2q31.2.
Variant type: single nucleotide variant.
Coding change: c.93853A>T on transcript NM_001267550.2 (MANE Select); coding-DNA position 93853, A replaced by T.
Protein change: p.Arg31285Ter; replaces arginine 31285 with a stop codon.
Molecular consequence: nonsense.
Genome position (GRCh38, 1-based): chr2:178,547,773, T>A on the plus strand (A>T on the coding strand, the complement: TTN is on the minus strand). VCF-style: chr2-178547773-T-A. GRCh37 (hg19) VCF-style: chr2-179412500-T-A.
Other names: c.88930A>T, p.Arg29644Ter (NM_001256850.1); c.66658A>T, p.Arg22220Ter (NM_003319.4); c.86149A>T, p.Arg28717Ter (NM_133378.4); c.67033A>T, p.Arg22345Ter (NM_133432.3); c.67234A>T, p.Arg22412Ter (NM_133437.4); short protein forms R22220*, R22412*, R28717*, R29644*, R22345*, R31285*.
Identifiers: ClinVar variation 2938000 (VCV002938000.4), dbSNP rs2469105624, ClinGen allele CA349480237.
Genomic context (GRCh38, chr2:178,547,773, plus strand): 5'-CCACAACTGTGACGCTAAATGTTTTAACACCAGCTGTATTTTCCAGGGTCAAGAAGTATC[T>A]TCCAGAGTCACCTCTCATGCTGTCCTTTACAGTCAGTGTGGTTCTGTCTTTTGTTGTTGT-3'